The following is an entry in ClinVar:

NM_001177316.2(SLC34A3):c.323T>C (p.Ile108Thr)

Gene: SLC34A3 (solute carrier family 34 member 3; plus strand). Cytogenetic location: 9q34.3.
Variant type: single nucleotide variant.
Coding change: c.323T>C on transcript NM_001177316.2 (MANE Select); coding-DNA position 323, T replaced by C.
Protein change: p.Ile108Thr; replaces isoleucine 108 with threonine.
Molecular consequence: missense variant.
Genome position (GRCh38, 1-based): chr9:137,232,802, T>C. VCF-style: chr9-137232802-T-C. GRCh37 (hg19) VCF-style: chr9-140127254-T-C.
Other names: c.323T>C, p.Ile108Thr (NM_001177317.2, NM_080877.3); short protein forms I108T.
Identifiers: ClinVar variation 4985957 (VCV004985957.1).

ClinVar aggregate classification (germline): Uncertain significance (1 of 4 stars; one submission).

Conditions:
SLC34A3-related disorder. Also called: SLC34A3-related condition.

Submission:

PreventionGenetics, part of Exact Sciences
Classification: Uncertain significance for SLC34A3-related condition. Last evaluated: 2025-02-05. Review status: criteria provided, single submitter. Criteria: ACMG Guidelines, 2015. Collection method: clinical testing. Allele origin: germline.
Comment: The SLC34A3 c.323T>C variant is predicted to result in the amino acid substitution p.Ile108Thr. To our knowledge, this variant has not been reported in the literature or in a large population database (gnomAD), indicating this variant is rare. At this time, the clinical significance of this variant is uncertain due to the absence of conclusive functional and genetic evidence.